The following is an entry in ClinVar:

ClinVar aggregate classification (germline): Uncertain significance (1 of 4 stars; one submission).

Allele frequency attached by ClinVar (database versions not stated): gnomAD exomes below 0.00001.
gnomAD v4.1: 2 of 1,613,776 alleles (0.00012%); highest among the groups gnomAD compares: Non-Finnish European, 0.00017%; no homozygotes.

Submission:

Labcorp Genetics (formerly Invitae), Labcorp
Classification: Uncertain significance. Last evaluated: 2025-09-28. Review status: criteria provided, single submitter. Criteria: Invitae Variant Classification Sherloc (09022015). Collection method: clinical testing. Allele origin: germline.
Comment: This sequence change replaces leucine, which is neutral and non-polar, with methionine, which is neutral and non-polar, at codon 9 of the MYLK3 protein (p.Leu9Met). This variant is not present in population databases (gnomAD no frequency). This variant has not been reported in the literature in individuals affected with MYLK3-related conditions. ClinVar contains an entry for this variant (Variation ID: 2908109). An algorithm developed to predict the effect of missense changes on protein structure and function (PolyPhen-2) suggests that this variant is likely to be disruptive. In summary, the available evidence is currently insufficient to determine the role of this variant in disease. Therefore, it has been classified as a Variant of Uncertain Significance.

NM_182493.3(MYLK3):c.25C>A (p.Leu9Met)

Gene: MYLK3 (myosin light chain kinase 3; minus strand). Cytogenetic location: 16q11.2.
Variant type: single nucleotide variant.
Coding change: c.25C>A on transcript NM_182493.3 (MANE Select); coding-DNA position 25, C replaced by A.
Protein change: p.Leu9Met; replaces leucine 9 with methionine.
Molecular consequence: missense variant. On other transcripts: intron variant (1).
Genome position (GRCh38, 1-based): chr16:46,748,169, G>T on the plus strand (C>A on the coding strand, the complement: MYLK3 is on the minus strand). VCF-style: chr16-46748169-G-T. GRCh37 (hg19) VCF-style: chr16-46782081-G-T.
Other names: c.-113-8022C>A (NM_001308301.1); short protein forms L9M.
Identifiers: ClinVar variation 2908109 (VCV002908109.3), dbSNP rs1007600013, ClinGen allele CA280241647.